The following is an entry in ClinVar:

ClinVar aggregate classification (germline): Uncertain significance (1 of 4 stars; one submission).

gnomAD v4.1: 6 of 1,596,116 alleles (0.00038%); highest among the groups gnomAD compares: Non-Finnish European, 0.00051%; no homozygotes.

Submission:

Labcorp Genetics (formerly Invitae), Labcorp
Classification: Uncertain significance. Last evaluated: 2025-12-18. Review status: criteria provided, single submitter. Criteria: Invitae Variant Classification Sherloc (09022015). Collection method: clinical testing. Allele origin: germline.
Comment: This sequence change falls in intron 21 of the CAMTA1 gene. It does not directly change the encoded amino acid sequence of the CAMTA1 protein. It affects a nucleotide within the consensus splice site. This variant is present in population databases (rs764073129, gnomAD 0.002%). This variant has not been reported in the literature in individuals affected with CAMTA1-related conditions. Variants that disrupt the consensus splice site are a relatively common cause of aberrant splicing (PMID: 17576681, 9536098). Algorithms developed to predict the effect of sequence changes on RNA splicing suggest that this variant is not likely to affect RNA splicing. In summary, the available evidence is currently insufficient to determine the role of this variant in disease. Therefore, it has been classified as a Variant of Uncertain Significance.

Literature cited by the submitters: PubMed 17576681; PubMed 9536098.

NM_015215.4(CAMTA1):c.4958+6C>A

Gene: CAMTA1 (calmodulin binding transcription activator 1; plus strand). Cytogenetic location: 1p36.23.
Variant type: single nucleotide variant.
Coding change: c.4958+6C>A on transcript NM_015215.4 (MANE Select); 6 bases into the intron after coding-DNA position 4958, C replaced by A.
Molecular consequence: intron variant.
Genome position (GRCh38, 1-based): chr1:7,752,539, C>A. VCF-style: chr1-7752539-C-A. GRCh37 (hg19) VCF-style: chr1-7812599-C-A.
Other names: c.4640+6C>A (NM_001349609.2); c.4634+6C>A (NM_001349610.2); c.4619+6C>A (NM_001410737.1); c.4547+6C>A (NM_001410738.1); c.4868+6C>A (NM_001349608.2); c.4550+6C>A (NM_001349612.2); c.2051+6C>A (NM_001349614.1, NM_001349616.2, NM_001349615.2); c.1712+6C>A (NM_001349620.1, NM_001349621.1, NM_001349619.2 and 1 more transcripts); and 3 more.
Identifiers: ClinVar variation 4704389 (VCV004704389.1).